The following is an entry in ClinVar:

ClinVar aggregate classification (germline): Benign. Review status: criteria provided, multiple submitters, no conflicts (2 of 4 stars). 2 submissions from 2 submitters: Benign (2). Last evaluated 2018-06-18.

Allele frequency attached by ClinVar (database versions not stated): 1000 Genomes Project 30x 0.39444; TOPMed 0.39281; gnomAD exomes 0.27907; gnomAD 0.39350 and 0.38652; 1000 Genomes Project 0.38319.

Submissions (2):

GeneDx
Classification: Benign. Last evaluated: 2018-06-18. Review status: criteria provided, single submitter. Criteria: GeneDx Variant Classification (06012015). Collection method: clinical testing. Allele origin: germline. Affected: yes.
Comment: This variant is considered likely benign or benign based on one or more of the following criteria: it is a conservative change, it occurs at a poorly conserved position in the protein, it is predicted to be benign by multiple in silico algorithms, and/or has population frequency not consistent with disease.

Breakthrough Genomics
Classification: Benign. Review status: criteria provided, single submitter. Criteria: ACMG Guidelines, 2015. Collection method: not provided. Allele origin: germline. Inheritance: Autosomal dominant inheritance. Affected: yes.

NM_000093.3(COL5A1):c.-400C>G

Gene: COL5A1 (collagen type V alpha 1 chain; plus strand). Cytogenetic location: 9q34.3.
Variant type: single nucleotide variant.
Coding change: c.-400C>G on transcript NM_000093.3; 400 bases upstream of the start codon, C replaced by G.
Genome position (GRCh38, 1-based): chr9:134,641,788, C>G. VCF-style: chr9-134641788-C-G. GRCh37 (hg19) VCF-style: chr9-137533634-C-G.
Identifiers: ClinVar variation 671043 (VCV000671043.4), dbSNP rs12002679, ClinGen allele CA13040843.